The following is an entry in ClinVar:

ClinVar aggregate classification (germline): Uncertain significance. Review status: criteria provided, multiple submitters, no conflicts (2 of 4 stars). 3 submissions from 3 submitters: Uncertain significance (3). Last evaluated 2025-08-25.

Conditions:
Inborn genetic diseases. Identifiers: MedGen C0950123, MeSH D030342.

Allele frequency attached by ClinVar (database versions not stated): gnomAD 0.00004 and 0.00005; TOPMed 0.00006; gnomAD exomes 0.00008 and 0.00011; ExAC 0.00012.
gnomAD v4.1: 117 of 1,613,138 alleles (0.0073%); highest among the groups gnomAD compares: Middle Eastern, 0.033%; 1 homozygote.

Submissions (3):

Ambry Genetics
Classification: Uncertain significance for Inborn genetic diseases. Last evaluated: 2025-08-25. Review status: criteria provided, single submitter. Criteria: Ambry Variant Classification Scheme 2023. Collection method: clinical testing. Allele origin: germline.

Labcorp Genetics (formerly Invitae), Labcorp
Classification: Uncertain significance. Last evaluated: 2022-03-27. Review status: criteria provided, single submitter. Criteria: Invitae Variant Classification Sherloc (09022015). Collection method: clinical testing. Allele origin: germline.
Comment: This sequence change replaces proline, which is neutral and non-polar, with serine, which is neutral and polar, at codon 1243 of the PCLO protein (p.Pro1243Ser). This variant is present in population databases (rs749528846, gnomAD 0.03%). This variant has not been reported in the literature in individuals affected with PCLO-related conditions. Algorithms developed to predict the effect of missense changes on protein structure and function output the following: SIFT: "Tolerated"; PolyPhen-2: "Not Available"; Align-GVGD: "Class C0". The serine amino acid residue is found in multiple mammalian species, which suggests that this missense change does not adversely affect protein function. In summary, the available evidence is currently insufficient to determine the role of this variant in disease. Therefore, it has been classified as a Variant of Uncertain Significance.

Breakthrough Genomics
Classification: Uncertain significance. Review status: criteria provided, single submitter. Criteria: ACMG Guidelines, 2015. Collection method: not provided. Allele origin: germline. Inheritance: Autosomal recessive inheritance. Affected: yes.

NM_033026.6(PCLO):c.3727C>T (p.Pro1243Ser)

Gene: PCLO (piccolo presynaptic cytomatrix protein; minus strand). Cytogenetic location: 7q21.11.
Variant type: single nucleotide variant.
Coding change: c.3727C>T on transcript NM_033026.6 (MANE Select); coding-DNA position 3727, C replaced by T.
Protein change: p.Pro1243Ser; replaces proline 1243 with serine.
Molecular consequence: missense variant.
Genome position (GRCh38, 1-based): chr7:82,966,061, G>A on the plus strand (C>T on the coding strand, the complement: PCLO is on the minus strand). VCF-style: chr7-82966061-G-A. GRCh37 (hg19) VCF-style: chr7-82595377-G-A.
Other names: c.3727C>T (NM_033026.5); c.3727C>T, p.Pro1243Ser (NM_014510.3); short protein forms P1243S.
Identifiers: ClinVar variation 1389195 (VCV001389195.6), dbSNP rs749528846, ClinGen allele CA4320973.